The following is an entry in ClinVar:

ClinVar aggregate classification (germline): Uncertain significance (1 of 4 stars; one submission).

Submission:

Labcorp Genetics (formerly Invitae), Labcorp
Classification: Uncertain significance. Last evaluated: 2022-02-05. Review status: criteria provided, single submitter. Criteria: Invitae Variant Classification Sherloc (09022015). Collection method: clinical testing. Allele origin: germline.
Comment: This sequence change replaces valine, which is neutral and non-polar, with methionine, which is neutral and non-polar, at codon 286 of the CASQ1 protein (p.Val286Met). This variant is not present in population databases (gnomAD no frequency). This variant has not been reported in the literature in individuals affected with CASQ1-related conditions. Algorithms developed to predict the effect of missense changes on protein structure and function are either unavailable or do not agree on the potential impact of this missense change (SIFT: "Deleterious"; PolyPhen-2: "Probably Damaging"; Align-GVGD: "Class C0"). In summary, the available evidence is currently insufficient to determine the role of this variant in disease. Therefore, it has been classified as a Variant of Uncertain Significance.

NM_001231.5(CASQ1):c.856G>A (p.Val286Met)

Gene: CASQ1 (calsequestrin 1; plus strand). Cytogenetic location: 1q23.2.
Variant type: single nucleotide variant.
Coding change: c.856G>A on transcript NM_001231.5 (MANE Select); coding-DNA position 856, G replaced by A.
Protein change: p.Val286Met; replaces valine 286 with methionine.
Molecular consequence: missense variant.
Genome position (GRCh38, 1-based): chr1:160,198,704, G>A. VCF-style: chr1-160198704-G-A. GRCh37 (hg19) VCF-style: chr1-160168494-G-A.
Other names: short protein forms V286M.
Identifiers: ClinVar variation 1357847 (VCV001357847.8), dbSNP rs2101677698, ClinGen allele CA343260640.